The following is an entry in ClinVar:

NM_000168.6(GLI3):c.4453A>T (p.Asn1485Tyr)

Gene: GLI3 (GLI family zinc finger 3; minus strand). Cytogenetic location: 7p14.1.
Variant type: single nucleotide variant.
Coding change: c.4453A>T on transcript NM_000168.6 (MANE Select); coding-DNA position 4453, A replaced by T.
Protein change: p.Asn1485Tyr; replaces asparagine 1485 with tyrosine.
Molecular consequence: missense variant.
Genome position (GRCh38, 1-based): chr7:41,964,620, T>A on the plus strand (A>T on the coding strand, the complement: GLI3 is on the minus strand). VCF-style: chr7-41964620-T-A. GRCh37 (hg19) VCF-style: chr7-42004218-T-A.
Other names: short protein forms N1485Y.
Identifiers: ClinVar variation 1329761 (VCV001329761.2), dbSNP rs2128704858, ClinGen allele CA367314998.

ClinVar aggregate classification (germline): Uncertain significance (1 of 4 stars; one submission).

gnomAD v4.1: 1 of 1,613,552 alleles (0.000062%); highest among the groups gnomAD compares: Non-Finnish European, 0.000085%; no homozygotes.

Submission:

GeneDx
Classification: Uncertain significance. Last evaluated: 2021-06-23. Review status: criteria provided, single submitter. Criteria: GeneDx Variant Classification Process June 2021. Collection method: clinical testing. Allele origin: germline. Affected: yes.
Comment: Not observed at significant frequency in large population cohorts (Lek et al., 2016); In silico analysis supports that this missense variant has a deleterious effect on protein structure/function; Has not been previously published as pathogenic or benign to our knowledge; This variant is associated with the following publications: (PMID: 27535533)